The following is an entry in ClinVar:

NM_000787.4(DBH):c.1033G>A (p.Asp345Asn)

Gene: DBH (dopamine beta-hydroxylase; plus strand). Cytogenetic location: 9q34.2.
Variant type: single nucleotide variant.
Coding change: c.1033G>A on transcript NM_000787.4 (MANE Select); coding-DNA position 1033, G replaced by A.
Protein change: p.Asp345Asn; replaces aspartic acid 345 with asparagine.
Molecular consequence: missense variant.
Genome position (GRCh38, 1-based): chr9:133,647,854, G>A. VCF-style: chr9-133647854-G-A. GRCh37 (hg19) VCF-style: chr9-136512976-G-A.
Other names: D331N; G991A; short protein forms D345N.
Identifiers: ClinVar variation 217764 (VCV000217764.12), dbSNP rs267606761, ClinGen allele CA347616.

ClinVar aggregate classification (germline): Conflicting classifications of pathogenicity. Review status: criteria provided, conflicting classifications (1 of 4 stars). 3 submissions from 3 submitters: Likely pathogenic (1); Uncertain significance (1). 1 of the submissions does not count toward it. Last evaluated 2022-06-28.

Conditions:
Orthostatic hypotension 1 (ORTHYP1). Also called: Dopamine beta-hydroxylase deficiency; NORADRENALINE DEFICIENCY; NOREPINEPHRINE DEFICIENCY; Orthostatic hypotension 1, due to DBH deficiency. Identifiers: Orphanet 230, MedGen C4746777, MONDO:0009123, OMIM 223360.

Allele frequency attached by ClinVar (database versions not stated): gnomAD 0.00012; TOPMed 0.00014; ExAC 0.00002; ESP Exome Variant Server 0.00008; gnomAD exomes 0.00005.
gnomAD v4.1: 211 of 1,614,046 alleles (0.013%); highest among the groups gnomAD compares: Non-Finnish European, 0.016%; no homozygotes.

Submissions (3):

Labcorp Genetics (formerly Invitae), Labcorp
Classification: Uncertain significance for Orthostatic hypotension 1. Last evaluated: 2022-06-28. Review status: criteria provided, single submitter. Criteria: Invitae Variant Classification Sherloc (09022015). Collection method: clinical testing. Allele origin: germline.
Comment: This sequence change replaces aspartic acid, which is acidic and polar, with asparagine, which is neutral and polar, at codon 345 of the DBH protein (p.Asp345Asn). This variant is present in population databases (rs267606761, gnomAD 0.01%). In summary, the available evidence is currently insufficient to determine the role of this variant in disease. Therefore, it has been classified as a Variant of Uncertain Significance. Experimental studies have shown that this missense change affects DBH function (PMID: 21209083). Algorithms developed to predict the effect of missense changes on protein structure and function are either unavailable or do not agree on the potential impact of this missense change (SIFT: "Deleterious"; PolyPhen-2: "Probably Damaging"; Align-GVGD: "Class C15"). ClinVar contains an entry for this variant (Variation ID: 217764). This variant is also known as p.Asp331Asn. This missense change has been observed in individual(s) with dopamine beta-hydroxylase deficiency (PMID: 11857564).

Revvity Omics, Revvity
Classification: Likely pathogenic for Orthostatic hypotension 1. Last evaluated: 2020-07-23. Review status: criteria provided, single submitter. Criteria: ACMG Guidelines, 2015. Collection method: clinical testing. Allele origin: germline.

GeneReviews
No classification provided. Condition: Orthostatic hypotension 1. Review status: no classification provided. Collection method: literature only. Allele origin: germline. Not counted in ClinVar's aggregate classification.
Comment: Identified in USA [Kim et al 2002, Erez et al 2010, Phillips et al 2013]. Abnormal protein retained in cell, suggesting abnormal trafficking & secretion [Kim et al 2011]

Literature cited by the submitters: PubMed 21209083 (cited by Labcorp Genetics (formerly Invitae), Labcorp and GeneReviews); PubMed 11857564 (cited by Labcorp Genetics (formerly Invitae), Labcorp and GeneReviews); PubMed 20186791 (cited by GeneReviews); PubMed 23622564 (cited by GeneReviews); NCBI Bookshelf NBK1474 (cited by GeneReviews).